The following is an entry in ClinVar:

NM_015443.4(KANSL1):c.2664_2666+10delinsTTGTAGAAGT

Gene: KANSL1 (KAT8 regulatory NSL complex subunit 1). Cytogenetic location: 17q21.31.
Variant type: Indel.
Coding change: c.2664_2666+10delinsTTGTAGAAGT on transcript NM_015443.4 (MANE Select); coding-DNA position 2664 through 10 bases into the intron after coding-DNA position 2666, the reference bases replaced by TTGTAGAAGT.
Molecular consequence: splice donor variant.
Genome position: GRCh38 VCF-style: chr17-46034151-GAGCTTCTACCTG-ACTTCTACAA. GRCh37 (hg19) VCF-style: chr17-44111517-GAGCTTCTACCTG-ACTTCTACAA.
Other names: c.1206_1208+10delinsTTGTAGAAGT (NM_001405885.1); c.1209_1211+10delinsTTGTAGAAGT (NM_001405884.1); c.1395_1397+10delinsTTGTAGAAGT (NM_001405883.1); c.1398_1400+10delinsTTGTAGAAGT (NM_001405882.1); c.2559_2561+10delinsTTGTAGAAGT (NM_001405881.1, NM_001405861.1); c.2562_2564+10delinsTTGTAGAAGT (NM_001405859.1, NM_001405860.1); c.2472_2474+10delinsTTGTAGAAGT (NM_001405879.1, NM_001405880.1); c.2475_2477+10delinsTTGTAGAAGT (NM_001405875.1, NM_001405878.1, NM_001405877.1 and 1 more transcripts); and 2 more.
Identifiers: ClinVar variation 4622439 (VCV004622439.1).

ClinVar aggregate classification (germline): Pathogenic (1 of 4 stars; one submission).

Conditions:
Inborn genetic diseases. Identifiers: MedGen C0950123, MeSH D030342.

Submission:

Ambry Genetics
Classification: Pathogenic for Inborn genetic diseases. Last evaluated: 2025-11-18. Review status: criteria provided, single submitter. Criteria: Ambry Variant Classification Scheme 2023. Collection method: clinical testing. Allele origin: germline.
Comment: The c.2664_2666+10delCAGGTAGAAGCTCinsTTGTAGAAGT alteration spans the end of coding exon 10 into intron 10 of the KANSL1 gene. This alteration consists of a deletion of 13 and insertion of 10 nucleotides between nucleotide positions c.2664 and c.2666+10. This alteration is expected to result in loss of function by premature protein truncation or nonsense-mediated mRNA decay. This variant was not reported in population-based cohorts in the Genome Aggregation Database (gnomAD). Based on the available evidence, this alteration is classified as pathogenic.